The following is an entry in ClinVar:

ClinVar aggregate classification (germline): Uncertain significance. Review status: criteria provided, multiple submitters, no conflicts (2 of 4 stars). 2 submissions from 2 submitters: Uncertain significance (2). Last evaluated 2026-02-03.

Conditions:
Hereditary cancer-predisposing syndrome. Also called: Hereditary Cancer Syndrome; Neoplastic Syndromes, Hereditary; Tumor predisposition; Hereditary neoplastic syndrome. Identifiers: Orphanet 140162, MedGen C0027672, MeSH D009386, MONDO:0015356.
EGFR-related lung cancer (EGFR). Identifiers: MedGen CN130014.

gnomAD v4.1: 1 of 1,614,000 alleles (0.000062%); highest among the groups gnomAD compares: South Asian, 0.0011%; no homozygotes.

Submissions (2):

Ambry Genetics
Classification: Uncertain significance for Hereditary cancer-predisposing syndrome. Last evaluated: 2026-02-03. Review status: criteria provided, single submitter. Criteria: Ambry Variant Classification Scheme 2023. Collection method: clinical testing. Allele origin: germline.
Comment: The p.G434C variant (also known as c.1300G>T), located in coding exon 12 of the EGFR gene, results from a G to T substitution at nucleotide position 1300. The glycine at codon 434 is replaced by cysteine, an amino acid with highly dissimilar properties. This amino acid position is highly conserved in available vertebrate species. In addition, this alteration is predicted to be deleterious by in silico analysis. Based on the available evidence, the clinical significance of this variant remains unclear.

Labcorp Genetics (formerly Invitae), Labcorp
Classification: Uncertain significance for EGFR-related lung cancer. Last evaluated: 2024-03-28. Review status: criteria provided, single submitter. Criteria: Invitae Variant Classification Sherloc (09022015). Collection method: clinical testing. Allele origin: germline.
Comment: This sequence change replaces glycine, which is neutral and non-polar, with cysteine, which is neutral and slightly polar, at codon 434 of the EGFR protein (p.Gly434Cys). This variant is not present in population databases (gnomAD no frequency). This variant has not been reported in the literature in individuals affected with EGFR-related conditions. An algorithm developed to predict the effect of missense changes on protein structure and function (PolyPhen-2) suggests that this variant is likely to be disruptive. Algorithms developed to predict the effect of sequence changes on RNA splicing suggest that this variant may create or strengthen a splice site. In summary, the available evidence is currently insufficient to determine the role of this variant in disease. Therefore, it has been classified as a Variant of Uncertain Significance.

NM_005228.5(EGFR):c.1300G>T (p.Gly434Cys)

Gene: EGFR (epidermal growth factor receptor; plus strand). Cytogenetic location: 7p11.2.
Variant type: single nucleotide variant.
Coding change: c.1300G>T on transcript NM_005228.5 (MANE Select); coding-DNA position 1300, G replaced by T.
Protein change: p.Gly434Cys; replaces glycine 434 with cysteine.
Molecular consequence: missense variant.
Genome position (GRCh38, 1-based): chr7:55,160,140, G>T. VCF-style: chr7-55160140-G-T. GRCh37 (hg19) VCF-style: chr7-55227833-G-T.
Other names: c.1165G>T, p.Gly389Cys (NM_001346897.2, NM_001346899.2); c.1300G>T, p.Gly434Cys (NM_001346898.2, NM_201282.2, NM_201284.2); c.1141G>T, p.Gly381Cys (NM_001346900.2); c.499G>T, p.Gly167Cys (NM_001346941.2); short protein forms G381C, G167C, G389C, G434C.
Identifiers: ClinVar variation 3647928 (VCV003647928.3).